The following is an entry in ClinVar:

NM_015295.3(SMCHD1):c.956T>C (p.Phe319Ser)

Gene: SMCHD1 (structural maintenance of chromosomes flexible hinge domain containing 1; plus strand). Cytogenetic location: 18p11.32.
Variant type: single nucleotide variant.
Coding change: c.956T>C on transcript NM_015295.3 (MANE Select); coding-DNA position 956, T replaced by C.
Protein change: p.Phe319Ser; replaces phenylalanine 319 with serine.
Molecular consequence: missense variant.
Genome position (GRCh38, 1-based): chr18:2,694,609, T>C. VCF-style: chr18-2694609-T-C. GRCh37 (hg19) VCF-style: chr18-2694607-T-C.
Other names: short protein forms F319S.
Identifiers: ClinVar variation 4746642 (VCV004746642.1).

ClinVar aggregate classification (germline): Uncertain significance (1 of 4 stars; one submission).

Conditions:
Facioscapulohumeral muscular dystrophy 2 (FSHD2). Also called: MUSCULAR DYSTROPHY, FACIOSCAPULOHUMERAL, TYPE 1B; FACIOSCAPULOHUMERAL MUSCULAR DYSTROPHY 2, DIGENIC; FSHD2, DIGENIC. Identifiers: Orphanet 269, MedGen C1834671, MONDO:0008031, OMIM 158901.

Submission:

Labcorp Genetics (formerly Invitae), Labcorp
Classification: Uncertain significance for Facioscapulohumeral muscular dystrophy 2. Last evaluated: 2026-01-21. Review status: criteria provided, single submitter. Criteria: Invitae Variant Classification Sherloc (09022015). Collection method: clinical testing. Allele origin: germline.
Comment: This sequence change replaces phenylalanine, which is neutral and non-polar, with serine, which is neutral and polar, at codon 319 of the SMCHD1 protein (p.Phe319Ser). This variant is not present in population databases (gnomAD no frequency). This variant has not been reported in the literature in individuals affected with SMCHD1-related conditions. Invitae Evidence Modeling of protein sequence and biophysical properties (such as structural, functional, and spatial information, amino acid conservation, physicochemical variation, residue mobility, and thermodynamic stability) indicates that this missense variant is expected to disrupt SMCHD1 protein function with a positive predictive value of 80%. In summary, the available evidence is currently insufficient to determine the role of this variant in disease. Therefore, it has been classified as a Variant of Uncertain Significance.